The following is an entry in ClinVar:

NM_001854.4(COL11A1):c.1194T>A (p.Asn398Lys)

Gene: COL11A1 (collagen type XI alpha 1 chain; minus strand). Cytogenetic location: 1p21.1.
Variant type: single nucleotide variant.
Coding change: c.1194T>A on transcript NM_001854.4 (MANE Select); coding-DNA position 1194, T replaced by A.
Protein change: p.Asn398Lys; replaces asparagine 398 with lysine.
Molecular consequence: missense variant. On other transcripts: non-coding transcript variant (1), intron variant (1).
Genome position (GRCh38, 1-based): chr1:103,022,793, A>T on the plus strand (T>A on the coding strand, the complement: COL11A1 is on the minus strand). VCF-style: chr1-103022793-A-T. GRCh37 (hg19) VCF-style: chr1-103488349-A-T.
Other names: c.1077T>A, p.Asn359Lys (NM_001190709.2); c.1230T>A, p.Asn410Lys (NM_080629.3); c.898-1024T>A (NM_080630.4); short protein forms N359K, N410K, N398K.
Identifiers: ClinVar variation 1523405 (VCV001523405.6), dbSNP rs1245661989, ClinGen allele CA341154339.

ClinVar aggregate classification (germline): Uncertain significance (1 of 4 stars; one submission).

Allele frequency attached by ClinVar (database versions not stated): TOPMed below 0.00001.

Submission:

Labcorp Genetics (formerly Invitae), Labcorp
Classification: Uncertain significance. Last evaluated: 2025-02-06. Review status: criteria provided, single submitter. Criteria: Invitae Variant Classification Sherloc (09022015). Collection method: clinical testing. Allele origin: germline.
Comment: This sequence change replaces asparagine, which is neutral and polar, with lysine, which is basic and polar, at codon 398 of the COL11A1 protein (p.Asn398Lys). This variant is not present in population databases (gnomAD no frequency). This variant has not been reported in the literature in individuals affected with COL11A1-related conditions. ClinVar contains an entry for this variant (Variation ID: 1523405). Invitae Evidence Modeling of protein sequence and biophysical properties (such as structural, functional, and spatial information, amino acid conservation, physicochemical variation, residue mobility, and thermodynamic stability) indicates that this missense variant is not expected to disrupt COL11A1 protein function with a negative predictive value of 80%. In summary, the available evidence is currently insufficient to determine the role of this variant in disease. Therefore, it has been classified as a Variant of Uncertain Significance.